The following is an entry in ClinVar:

ClinVar aggregate classification (germline): Uncertain significance. Review status: criteria provided, multiple submitters, no conflicts (2 of 4 stars). 2 submissions from 2 submitters: Uncertain significance (2). Last evaluated 2022-04-23.

Conditions:
Encephalopathy, acute, infection-induced (herpes-specific), susceptibility to, 1. Also called: Herpes simplex encephalitis, susceptibility to, 1. Identifiers: Orphanet 1930, MedGen C2750180, MONDO:0024563, OMIM 610551.

Allele frequency attached by ClinVar (database versions not stated): gnomAD exomes 0.00001 and 0.00003; TOPMed 0.00001; gnomAD 0.00001.

Submissions (2):

Labcorp Genetics (formerly Invitae), Labcorp
Classification: Uncertain significance for Encephalopathy, acute, infection-induced (herpes-specific), susceptibility to, 1. Last evaluated: 2022-04-23. Review status: criteria provided, single submitter. Criteria: Invitae Variant Classification Sherloc (09022015). Collection method: clinical testing. Allele origin: germline.
Comment: This sequence change replaces threonine, which is neutral and polar, with methionine, which is neutral and non-polar, at codon 253 of the UNC93B1 protein (p.Thr253Met). This variant is present in population databases (rs747214914, gnomAD 0.004%). This variant has not been reported in the literature in individuals affected with UNC93B1-related conditions. ClinVar contains an entry for this variant (Variation ID: 860383). In summary, the available evidence is currently insufficient to determine the role of this variant in disease. Therefore, it has been classified as a Variant of Uncertain Significance.

Ambry Genetics
Classification: Uncertain significance. Last evaluated: 2021-08-23. Review status: criteria provided, single submitter. Criteria: Ambry Variant Classification Scheme 2023. Collection method: clinical testing. Allele origin: germline.

NM_030930.4(UNC93B1):c.758C>T (p.Thr253Met)

Gene: UNC93B1 (unc-93B1 regulator of TLR signaling; minus strand). Cytogenetic location: 11q13.2.
Variant type: single nucleotide variant.
Coding change: c.758C>T on transcript NM_030930.4 (MANE Select); coding-DNA position 758, C replaced by T.
Protein change: p.Thr253Met; replaces threonine 253 with methionine.
Molecular consequence: missense variant.
Genome position (GRCh38, 1-based): chr11:67,998,382, G>A on the plus strand (C>T on the coding strand, the complement: UNC93B1 is on the minus strand). VCF-style: chr11-67998382-G-A. GRCh37 (hg19) VCF-style: chr11-67765852-G-A.
Other names: c.758C>T (NM_030930.2); short protein forms T253M.
Identifiers: ClinVar variation 860383 (VCV000860383.11), dbSNP rs747214914, ClinGen allele CA6145535.